The following is an entry in ClinVar:

ClinVar aggregate classification (germline): Benign/Likely benign. Review status: criteria provided, multiple submitters, no conflicts (2 of 4 stars). 4 submissions from 4 submitters: Benign (1); Likely benign (3). Last evaluated 2025-10-26.

Conditions:
Hereditary cancer-predisposing syndrome. Also called: Neoplastic Syndromes, Hereditary; Hereditary Cancer Syndrome; Tumor predisposition; Hereditary neoplastic syndrome. Identifiers: Orphanet 140162, MedGen C0027672, MeSH D009386, MONDO:0015356.
Familial adenomatous polyposis 1 (FAP1). Also called: FAMILIAL ADENOMATOUS POLYPOSIS 1, ATTENUATED; POLYPOSIS, ADENOMATOUS INTESTINAL. Identifiers: MedGen C2713442, MONDO:0021056, OMIM 175100. Disease mechanism: loss of function.

Submissions (4):

Labcorp Genetics (formerly Invitae), Labcorp
Classification: Likely benign for Familial adenomatous polyposis 1. Last evaluated: 2025-10-26. Review status: criteria provided, single submitter. Criteria: Invitae Variant Classification Sherloc (09022015). Collection method: clinical testing. Allele origin: germline.

Myriad Genetics, Inc.
Classification: Benign for Familial adenomatous polyposis 1. Last evaluated: 2024-02-29. Review status: criteria provided, single submitter. Criteria: Myriad Autosomal Dominant, Autosomal Recessive and X-Linked Classification Criteria (2023). Collection method: clinical testing. Allele origin: unknown.
Comment: This variant is considered benign. This variant is a silent/synonymous amino acid change and it is not expected to impact splicing.

Ambry Genetics
Classification: Likely benign for Hereditary cancer-predisposing syndrome. Last evaluated: 2021-09-30. Review status: criteria provided, single submitter. Criteria: Ambry Variant Classification Scheme 2023. Collection method: clinical testing. Allele origin: germline.

Color Diagnostics, LLC DBA Color Health
Classification: Likely benign for Hereditary cancer-predisposing syndrome. Last evaluated: 2019-01-14. Review status: criteria provided, single submitter. Criteria: ACMG Guidelines, 2015. Collection method: clinical testing. Allele origin: germline.

NM_000038.6(APC):c.1101T>C (p.Ser367=)

Gene: APC (APC regulator of Wnt signaling pathway; plus strand). Cytogenetic location: 5q22.2.
Variant type: single nucleotide variant.
Coding change: c.1101T>C on transcript NM_000038.6 (MANE Select); coding-DNA position 1101, T replaced by C.
Protein change: p.Ser367=; no amino-acid change (serine 367 retained).
Molecular consequence: synonymous variant. On other transcripts: intron variant (4).
Genome position (GRCh38, 1-based): chr5:112,819,133, T>C. VCF-style: chr5-112819133-T-C. GRCh37 (hg19) VCF-style: chr5-112154830-T-C.
Other names: c.1017T>C, p.Ser339= (NM_001354899.2); c.924T>C, p.Ser308= (NM_001354900.2, NM_001354901.2); c.859-136T>C (NM_001354904.2); c.934-136T>C (NM_001354903.2); c.252T>C, p.Ser84= (NM_001354906.2); c.964-136T>C (NM_001354902.2); c.757-136T>C (NM_001354905.2); c.1101T>C, p.Ser367= (NM_001127510.3, NM_001354895.2, NM_001354896.2); and 3 more.
Identifiers: ClinVar variation 928019 (VCV000928019.7), dbSNP rs1580529215, ClinGen allele CA445960272.
Genomic context (GRCh38, chr5:112,819,133, plus strand): 5'-GCGACAGTCTGGATGTCTTCCTCTCCTCATCCAGCTTTTACATGGCAATGACAAAGACTC[T>C]GTATTGTTGGGAAATTCCCGGGGCAGTAAAGAGGCTCGGGCCAGGGCCAGTGCAGCACTC-3'
Protein context (NP_000029.2, residues 357-377): IQLLHGNDKD[Ser367=]VLLGNSRGSK